The following is an entry in ClinVar:

NM_145068.4(TRPV3):c.1063G>A (p.Glu355Lys)

Gene: TRPV3 (transient receptor potential cation channel subfamily V member 3; minus strand). Cytogenetic location: 17p13.2.
Variant type: single nucleotide variant.
Coding change: c.1063G>A on transcript NM_145068.4 (MANE Select); coding-DNA position 1063, G replaced by A.
Protein change: p.Glu355Lys; replaces glutamic acid 355 with lysine.
Molecular consequence: missense variant.
Genome position (GRCh38, 1-based): chr17:3,532,659, C>T on the plus strand (G>A on the coding strand, the complement: TRPV3 is on the minus strand). VCF-style: chr17-3532659-C-T. GRCh37 (hg19) VCF-style: chr17-3435953-C-T.
Other names: c.1063G>A, p.Glu355Lys (NM_001258205.2); short protein forms E355K.
Identifiers: ClinVar variation 322779 (VCV000322779.5), dbSNP rs747712652, ClinGen allele CA8289628.
Genomic context (GRCh38, chr17:3,532,659, plus strand): 5'-TGGCAGCTGTACCTCCTGACCTCCCGACCTCCTGCCTCCCCACGCCCCATGGCCCCACCT[C>T]CGCCTTGCCCATCTTGGCGGCCAGCTGCAGCGGCGTGAGGCCATCGTTGTTGCGAGTGGT-3'
Protein context (NP_659505.1, residues 345-365): LQLAAKMGKA[Glu355Lys]ILKYILSREI

ClinVar aggregate classification (germline): Likely benign (1 of 4 stars; one submission).

Conditions:
Isolated focal non-epidermolytic palmoplantar keratoderma. Also called: Palmoplantar keratoderma, nonepidermolytic, focal 2. Identifiers: Orphanet 448264, MedGen C4225339, MONDO:0014622, OMIM 616400.

Allele frequency attached by ClinVar (database versions not stated): ExAC 0.00002; gnomAD 0.00002 and 0.00003; gnomAD exomes 0.00003 and 0.00015; TOPMed 0.00004.
gnomAD v4.1: 216 of 1,613,874 alleles (0.013%); highest among the groups gnomAD compares: Non-Finnish European, 0.017%; 1 homozygote.

Submission:

Illumina Laboratory Services, Illumina
Classification: Likely benign for Isolated focal non-epidermolytic palmoplantar keratoderma. Last evaluated: 2018-01-12. Review status: criteria provided, single submitter. Criteria: ICSL Variant Classification Criteria 13 December 2019. Collection method: clinical testing. Allele origin: germline.
Comment: This variant was observed in the ICSL laboratory as part of a predisposition screen in an ostensibly healthy population. It had not been previously curated by ICSL or reported in the Human Gene Mutation Database (HGMD: prior to June 1st, 2018), and was therefore a candidate for classification through an automated scoring system. Utilizing variant allele frequency, disease prevalence and penetrance estimates, and inheritance mode, an automated score was calculated to assess if this variant is too frequent to cause the disease. Based on the score and internal cut-off values, a variant classified as likely benign is not then subjected to further curation. The score for this variant resulted in a classification of likely benign for this disease.